The following is an entry in ClinVar:

NM_031220.4(PITPNM3):c.1206G>A (p.Ser402=)

Gene: PITPNM3 (PITPNM family member 3; minus strand). Cytogenetic location: 17p13.2.
Variant type: single nucleotide variant.
Coding change: c.1206G>A on transcript NM_031220.4 (MANE Select); coding-DNA position 1206, G replaced by A.
Protein change: p.Ser402=; no amino-acid change (serine 402 retained).
Molecular consequence: synonymous variant.
Genome position (GRCh38, 1-based): chr17:6,474,484, C>T on the plus strand (G>A on the coding strand, the complement: PITPNM3 is on the minus strand). VCF-style: chr17-6474484-C-T. GRCh37 (hg19) VCF-style: chr17-6377804-C-T.
Other names: c.1098G>A, p.Ser366= (NM_001165966.2).
Identifiers: ClinVar variation 324753 (VCV000324753.15), dbSNP rs7225547, ClinGen allele CA8329578.

ClinVar aggregate classification (germline): Benign. Review status: criteria provided, multiple submitters, no conflicts (2 of 4 stars). 4 submissions from 4 submitters: Benign (4). Last evaluated 2026-01-29.

Conditions:
Cone-rod dystrophy 5 (CORD5). Identifiers: Orphanet 1872, MedGen C1832976, MONDO:0010969, OMIM 600977.

Allele frequency attached by ClinVar (database versions not stated): gnomAD exomes 0.00549 and 0.01475; ExAC 0.01867; gnomAD 0.05583 and 0.06006; 1000 Genomes Project 0.05811; 1000 Genomes Project 30x 0.06184; ESP Exome Variant Server 0.06385; TOPMed 0.06414.
gnomAD v4.1: 16,855 of 1,613,376 alleles (1%); highest among the groups gnomAD compares: African/African-American, 20%; 1,556 homozygotes.

Submissions (4):

Labcorp Genetics (formerly Invitae), Labcorp
Classification: Benign. Last evaluated: 2026-01-29. Review status: criteria provided, single submitter. Criteria: Invitae Variant Classification Sherloc (09022015). Collection method: clinical testing. Allele origin: germline.

GeneDx
Classification: Benign. Last evaluated: 2018-11-20. Review status: criteria provided, single submitter. Criteria: GeneDx Variant Classification Process June 2021. Collection method: clinical testing. Allele origin: germline. Affected: yes.

Illumina Laboratory Services, Illumina
Classification: Benign for Cone-rod dystrophy 5. Last evaluated: 2018-01-13. Review status: criteria provided, single submitter. Criteria: ICSL Variant Classification Criteria 13 December 2019. Collection method: clinical testing. Allele origin: germline.
Comment: This variant was observed in the ICSL laboratory as part of a predisposition screen in an ostensibly healthy population. It had not been previously curated by ICSL or reported in the Human Gene Mutation Database (HGMD: prior to June 1st, 2018), and was therefore a candidate for classification through an automated scoring system. Utilizing variant allele frequency, disease prevalence and penetrance estimates, and inheritance mode, an automated score was calculated to assess if this variant is too frequent to cause the disease. Based on the score and internal cut-off values, a variant classified as benign is not then subjected to further curation. The score for this variant resulted in a classification of benign for this disease.

Breakthrough Genomics
Classification: Benign. Review status: criteria provided, single submitter. Criteria: ACMG Guidelines, 2015. Collection method: not provided. Allele origin: germline. Inheritance: Autosomal dominant inheritance. Affected: yes.